The following is an entry in ClinVar:

ClinVar aggregate classification (germline): Likely benign (0 of 4 stars; one submission).

Conditions:
KIAA0825-related disorder. Also called: KIAA0825-related condition.

Allele frequency attached by ClinVar (database versions not stated): gnomAD 0.00001; 1000 Genomes Project 0.00020; 1000 Genomes Project 30x 0.00031.
gnomAD v4.1: 16 of 1,551,532 alleles (0.001%); highest among the groups gnomAD compares: South Asian, 0.019%; no homozygotes.

Submission:

PreventionGenetics, part of Exact Sciences
Classification: Likely benign for KIAA0825-related condition. Last evaluated: 2020-08-31. Review status: no assertion criteria provided. Collection method: clinical testing. Allele origin: germline.
Comment: This variant is classified as likely benign based on ACMG/AMP sequence variant interpretation guidelines (Richards et al. 2015 PMID: 25741868, with internal and published modifications).

NM_001145678.3(KIAA0825):c.3371T>G (p.Ile1124Arg)

Gene: KIAA0825 (KIAA0825; minus strand). Cytogenetic location: 5q15.
Variant type: single nucleotide variant.
Coding change: c.3371T>G on transcript NM_001145678.3 (MANE Select); coding-DNA position 3371, T replaced by G.
Protein change: p.Ile1124Arg; replaces isoleucine 1124 with arginine.
Molecular consequence: missense variant. On other transcripts: non-coding transcript variant (1).
Genome position (GRCh38, 1-based): chr5:94,391,620, A>C on the plus strand (T>G on the coding strand, the complement: KIAA0825 is on the minus strand). VCF-style: chr5-94391620-A-C. GRCh37 (hg19) VCF-style: chr5-93727325-A-C.
Other names: c.3386T>G, p.Ile1129Arg (NM_001385712.1, NM_001385713.1, NM_001388325.1); short protein forms I1124R, I1129R.
Identifiers: ClinVar variation 3031987 (VCV003031987.2), dbSNP rs373480280, ClinGen allele CA123348474.